The following is an entry in ClinVar:

NM_000112.4(SLC26A2):c.100del (p.Glu34fs)

Gene: SLC26A2 (solute carrier family 26 member 2; plus strand). Cytogenetic location: 5q32.
Variant type: Deletion.
Coding change: c.100del on transcript NM_000112.4 (MANE Select); coding-DNA position 100, one base deleted (G; older notation c.100delG).
Protein change: p.Glu34fs; shifts the reading frame from glutamic acid 34.
Molecular consequence: frameshift variant.
Genome position (GRCh38, 1-based): chr5:149,977,752, G deleted; the last of 3 consecutive G bases (chr5:149,977,750-149,977,752); deleting any one gives the same sequence. VCF-style (leftmost placement, unchanged base first): chr5-149977749-AG-A. GRCh37 (hg19) VCF-style: chr5-149357312-AG-A.
Other names: short protein forms E34fs.
Identifiers: ClinVar variation 1453452 (VCV001453452.7), dbSNP rs2113695568, ClinGen allele CA2573139272.

ClinVar aggregate classification (germline): Pathogenic. Review status: criteria provided, multiple submitters, no conflicts (2 of 4 stars). 2 submissions from 2 submitters: Pathogenic (2). Last evaluated 2025-05-15.

Conditions:
Diastrophic dysplasia (DTD). Also called: Diastrophic dwarfism. Identifiers: Orphanet 628, MedGen C0220726, MONDO:0009107, OMIM 222600.
Atelosteogenesis type II (AO2). Also called: NEONATAL OSSEOUS DYSPLASIA I; Neonatal osseous dysplasia 1; SLC26A2-Related Atelosteogenesis. Identifiers: Orphanet 56304, MedGen C1850554, MONDO:0009727, OMIM 256050.
Multiple epiphyseal dysplasia type 4 (EDM4). Also called: Multiple Epiphyseal Dysplasia, Recessive; MULTIPLE EPIPHYSEAL DYSPLASIA WITH BILAYERED PATELLAE; MULTIPLE EPIPHYSEAL DYSPLASIA WITH CLUBFOOT; MULTIPLE EPIPHYSEAL DYSPLASIA, AUTOSOMAL RECESSIVE; SLC26A2-Related Multiple Epiphyseal Dysplasia. Identifiers: Orphanet 93307, MedGen C1847593, MONDO:0009189, OMIM 226900.
Achondrogenesis, type IB (ACG1B). Also called: Achondrogenesis Type 1B. Identifiers: Orphanet 932, Orphanet 93298, MedGen C0265274, MONDO:0010966, OMIM 600972.
SLC26A2-related skeletal dysplasia. Identifiers: MedGen CN379209, MONDO:0100592.

Submissions (2):

Myriad Genetics, Inc.
Classification: Pathogenic for SLC26A2-related skeletal dysplasia. Last evaluated: 2025-05-15. Review status: criteria provided, single submitter. Criteria: Myriad Autosomal Dominant, Autosomal Recessive and X-Linked Classification Criteria (2023). Collection method: clinical testing. Allele origin: unknown.
Comment: NM_000112.3(SLC26A2):c.100delG(E34Nfs*55) is a frameshift variant classified as pathogenic in the context of SLC26A2-related disorders. E34Nfs*55 has not been observed in cases with relevant disease. Relevant functional assessments of this variant are not available in the literature. E34Nfs*55 has not been observed in referenced population frequency databases. In summary, NM_000112.3(SLC26A2):c.100delG(E34Nfs*55) is a frameshift variant in a gene where loss of function is a known mechanism of disease and is predicted to disrupt protein function. Please note: this variant was assessed in the context of healthy population screening.

Labcorp Genetics (formerly Invitae), Labcorp
Classification: Pathogenic for Atelosteogenesis type II; Multiple epiphyseal dysplasia type 4; Achondrogenesis, type IB; Diastrophic dysplasia. Last evaluated: 2020-11-11. Review status: criteria provided, single submitter. Criteria: Invitae Variant Classification Sherloc (09022015). Collection method: clinical testing. Allele origin: germline.
Comment: For these reasons, this variant has been classified as Pathogenic. This variant has not been reported in the literature in individuals with SLC26A2-related conditions. This variant is not present in population databases (ExAC no frequency). This sequence change creates a premature translational stop signal (p.Glu34Asnfs*55) in the SLC26A2 gene. It is expected to result in an absent or disrupted protein product. Loss-of-function variants in SLC26A2 are known to be pathogenic (PMID: 7923357, 10482955, 11241838).

Literature cited by the submitters: PubMed 7923357 (cited by Labcorp Genetics (formerly Invitae), Labcorp); PubMed 10482955 (cited by Labcorp Genetics (formerly Invitae), Labcorp); PubMed 11241838 (cited by Labcorp Genetics (formerly Invitae), Labcorp).